The following is an entry in ClinVar:

ClinVar aggregate classification (germline): Uncertain significance (1 of 4 stars; one submission).

Conditions:
Familial sleep-related hypermotor epilepsy. Also called: Autosomal Dominant Sleep-Related Hypermotor (Hyperkinetic) Epilepsy. Identifiers: Orphanet 98784, MedGen C3696898, MONDO:0000030.

Submission:

Labcorp Genetics (formerly Invitae), Labcorp
Classification: Uncertain significance. Last evaluated: 2025-08-20. Review status: criteria provided, single submitter. Criteria: Invitae Variant Classification Sherloc (09022015). Collection method: clinical testing. Allele origin: germline.
Comment: This sequence change affects a donor splice site in intron 2 of the CHRNB2 gene. It is expected to disrupt RNA splicing. Variants that disrupt the donor or acceptor splice site typically lead to a loss of protein function (PMID: 16199547), however the current clinical and genetic evidence is not sufficient to establish whether loss-of-function variants in CHRNB2 cause disease. This variant is not present in population databases (gnomAD no frequency). This variant has not been reported in the literature in individuals affected with CHRNB2-related conditions. Algorithms developed to predict the effect of sequence changes on RNA splicing suggest that this variant may disrupt the consensus splice site. In summary, the available evidence is currently insufficient to determine the role of this variant in disease. Therefore, it has been classified as a Variant of Uncertain Significance.

Literature cited by the submitters: PubMed 16199547.

NM_000748.3(CHRNB2):c.210+2T>C

Gene: CHRNB2 (cholinergic receptor nicotinic beta 2 subunit; plus strand). Cytogenetic location: 1q21.3.
Variant type: single nucleotide variant.
Coding change: c.210+2T>C on transcript NM_000748.3 (MANE Select); the canonical splice donor site of the intron after coding-DNA position 210, T replaced by C.
Molecular consequence: splice donor variant.
Genome position (GRCh38, 1-based): chr1:154,569,609, T>C. VCF-style: chr1-154569609-T-C. GRCh37 (hg19) VCF-style: chr1-154542085-T-C.
Identifiers: ClinVar variation 4698670 (VCV004698670.1).